The following is an entry in ClinVar:

NM_015047.3(EMC1):c.1310-13A>G

Genes: EMC1 (ER membrane protein complex subunit 1; minus strand), EMC1-AS1 (EMC1 antisense RNA 1; plus strand). Cytogenetic location: 1p36.13.
Variant type: single nucleotide variant.
Coding change: c.1310-13A>G on transcript NM_015047.3 (MANE Select); 13 bases into the intron before coding-DNA position 1310, A replaced by G.
Molecular consequence: intron variant.
Genome position (GRCh38, 1-based): chr1:19,235,265, T>C on the plus strand (A>G on the coding strand, the complement: EMC1 is on the minus strand). VCF-style: chr1-19235265-T-C. GRCh37 (hg19) VCF-style: chr1-19561759-T-C.
Other names: c.1244-13A>G (NM_001271429.2); c.1307-13A>G (NM_001271427.2, NM_001375821.1); c.1310-16A>G (NM_001271428.2); c.1310-13A>G (NM_001375820.1).
Identifiers: ClinVar variation 2828429 (VCV002828429.4), dbSNP rs970933912, ClinGen allele CA18819617.

ClinVar aggregate classification (germline): Uncertain significance. Review status: criteria provided, multiple submitters, no conflicts (2 of 4 stars). 2 submissions from 2 submitters: Uncertain significance (2). Last evaluated 2024-06-06.

Allele frequency attached by ClinVar (database versions not stated): gnomAD exomes 0.00001.
gnomAD v4.1: 7 of 1,609,072 alleles (0.00044%); highest among the groups gnomAD compares: Non-Finnish European, 0.00059%; no homozygotes.

Submissions (2):

Labcorp Genetics (formerly Invitae), Labcorp
Classification: Uncertain significance. Last evaluated: 2024-06-06. Review status: criteria provided, single submitter. Criteria: Invitae Variant Classification Sherloc (09022015). Collection method: clinical testing. Allele origin: germline.
Comment: This sequence change falls in intron 12 of the EMC1 gene. It does not directly change the encoded amino acid sequence of the EMC1 protein. This variant is present in population databases (no rsID available, gnomAD 0.002%). This variant has not been reported in the literature in individuals affected with EMC1-related conditions. Algorithms developed to predict the effect of sequence changes on RNA splicing suggest that this variant may disrupt the consensus splice site. In summary, the available evidence is currently insufficient to determine the role of this variant in disease. Therefore, it has been classified as a Variant of Uncertain Significance.

Blueprint Genetics
Classification: Uncertain significance. Last evaluated: 2018-07-27. Review status: criteria provided, single submitter. Criteria: ACMG Guidelines, 2015. Collection method: clinical testing. Allele origin: germline.